The following is an entry in ClinVar:

NM_000540.3(RYR1):c.1867A>G (p.Asn623Asp)

Gene: RYR1 (ryanodine receptor 1; plus strand). Cytogenetic location: 19q13.2.
Variant type: single nucleotide variant.
Coding change: c.1867A>G on transcript NM_000540.3 (MANE Select); coding-DNA position 1867, A replaced by G.
Protein change: p.Asn623Asp; replaces asparagine 623 with aspartic acid.
Molecular consequence: missense variant.
Genome position (GRCh38, 1-based): chr19:38,457,572, A>G. VCF-style: chr19-38457572-A-G. GRCh37 (hg19) VCF-style: chr19-38948212-A-G.
Other names: c.1867A>G, p.Asn623Asp (NM_001042723.2); short protein forms N623D.
Identifiers: ClinVar variation 4756296 (VCV004756296.1).

ClinVar aggregate classification (germline): Uncertain significance (1 of 4 stars; one submission).

Conditions:
Malignant hyperthermia, susceptibility to, 1 (MHS1). Also called: RYR1-Related Malignant Hyperthermia Susceptibility; Malignant hyperthermia suceptibility 1; Anesthesia related hyperthermia; Malignant hyperpyrexia; Fulminating hyperpyrexia; Pharmacogenic myopathy. Identifiers: Orphanet 423, MedGen C2930980, MONDO:0007783, OMIM 145600.

Submission:

Color Diagnostics, LLC DBA Color Health
Classification: Uncertain significance for Malignant hyperthermia, susceptibility to, 1. Last evaluated: 2025-08-17. Review status: criteria provided, single submitter. Criteria: ACMG Guidelines, 2015. Collection method: clinical testing. Allele origin: germline.
Comment: This missense variant replaces asparagine with aspartic acid at codon 623 of the RYR1 protein. Computational prediction suggests that this variant may have deleterious impact on protein structure and function. To our knowledge, functional studies have not been reported for this variant. This variant has not been reported in individuals affected with RYR1-related disorders in the literature. This variant has not been identified in the general population by the Genome Aggregation Database (gnomAD). The available evidence is insufficient to determine the role of this variant in disease conclusively. Therefore, this variant is classified as a Variant of Uncertain Significance.